The following continues an entry in ClinVar:

NM_024996.7(GFM1):c.1083+6T>G

Gene: GFM1. ClinVar aggregate classification (germline): Benign/Likely benign. Benign (6); Likely benign (1).

Submissions 30 to 42 of 42:

Dr. Peter K. Rogan Lab, Western University
No classification provided (evidence only). Condition: Ovarian serous cystadenocarcinoma. Review status: no classification provided. Collection method: in vitro. Allele origin: not applicable. Functional consequence: retained intron. Not counted in ClinVar's aggregate classification.

Dr. Peter K. Rogan Lab, Western University
No classification provided (evidence only). Condition: Ovarian serous cystadenocarcinoma. Review status: no classification provided. Collection method: in vitro. Allele origin: not applicable. Functional consequence: retained intron. Not counted in ClinVar's aggregate classification.

Dr. Peter K. Rogan Lab, Western University
No classification provided (evidence only). Condition: Ovarian serous cystadenocarcinoma. Review status: no classification provided. Collection method: in vitro. Allele origin: not applicable. Functional consequence: retained intron. Not counted in ClinVar's aggregate classification.

Dr. Peter K. Rogan Lab, Western University
No classification provided (evidence only). Condition: Gastric cancer. Review status: no classification provided. Collection method: in vitro. Allele origin: not applicable. Functional consequence: retained intron. Not counted in ClinVar's aggregate classification.

Dr. Peter K. Rogan Lab, Western University
No classification provided (evidence only). Condition: Malignant tumor of esophagus. Review status: no classification provided. Collection method: in vitro. Allele origin: not applicable. Functional consequence: skipped exon, retained intron. Not counted in ClinVar's aggregate classification.

Dr. Peter K. Rogan Lab, Western University
No classification provided (evidence only). Condition: Malignant tumor of esophagus. Review status: no classification provided. Collection method: in vitro. Allele origin: not applicable. Functional consequence: retained intron. Not counted in ClinVar's aggregate classification.

Dr. Peter K. Rogan Lab, Western University
No classification provided (evidence only). Condition: Chronic lymphocytic leukemia/small lymphocytic lymphoma. Review status: no classification provided. Collection method: in vitro. Allele origin: not applicable. Functional consequence: retained intron. Not counted in ClinVar's aggregate classification.

Dr. Peter K. Rogan Lab, Western University
No classification provided (evidence only). Condition: Chronic lymphocytic leukemia/small lymphocytic lymphoma. Review status: no classification provided. Collection method: in vitro. Allele origin: not applicable. Functional consequence: skipped exon. Not counted in ClinVar's aggregate classification.

Dr. Peter K. Rogan Lab, Western University
No classification provided (evidence only). Condition: Nonpapillary renal cell carcinoma. Review status: no classification provided. Collection method: in vitro. Allele origin: not applicable. Functional consequence: skipped exon. Not counted in ClinVar's aggregate classification.

Dr. Peter K. Rogan Lab, Western University
No classification provided (evidence only). Condition: Familial pancreatic carcinoma. Review status: no classification provided. Collection method: in vitro. Allele origin: not applicable. Functional consequence: retained intron. Not counted in ClinVar's aggregate classification.

Dr. Peter K. Rogan Lab, Western University
No classification provided (evidence only). Condition: Familial pancreatic carcinoma. Review status: no classification provided. Collection method: in vitro. Allele origin: not applicable. Functional consequence: retained intron. Not counted in ClinVar's aggregate classification.

Dr. Peter K. Rogan Lab, Western University
No classification provided (evidence only). Condition: Familial pancreatic carcinoma. Review status: no classification provided. Collection method: in vitro. Allele origin: not applicable. Functional consequence: retained intron. Not counted in ClinVar's aggregate classification.

Dr. Peter K. Rogan Lab, Western University
No classification provided (evidence only). Condition: Ovarian cancer. Review status: no classification provided. Collection method: in vitro. Allele origin: not applicable. Functional consequence: retained intron. Not counted in ClinVar's aggregate classification.